The following is an entry in ClinVar:

ClinVar aggregate classification (germline): Likely benign (1 of 4 stars; one submission).

Allele frequency attached by ClinVar (database versions not stated): ExAC 0.00003; TOPMed below 0.00001.

Submission:

CeGaT Center for Human Genetics Tuebingen
Classification: Likely benign. Last evaluated: 2023-11-01. Review status: criteria provided, single submitter. Criteria: CeGaT Center For Human Genetics Tuebingen Variant Classification Criteria Version 2. Collection method: clinical testing. Allele origin: germline. Affected: yes. Observed: 1 variant allele.
Comment: SHANK3: BP4, BP7

NM_001372044.2(SHANK3):c.3870C>T (p.Thr1290=)

Gene: SHANK3 (SH3 and multiple ankyrin repeat domains 3; plus strand). Cytogenetic location: 22q13.33.
Variant type: single nucleotide variant.
Coding change: c.3870C>T on transcript NM_001372044.2 (MANE Select); coding-DNA position 3870, C replaced by T.
Protein change: p.Thr1290=; no amino-acid change (threonine 1290 retained).
Molecular consequence: synonymous variant.
Genome position (GRCh38, 1-based): chr22:50,721,478, C>T. VCF-style: chr22-50721478-C-T. GRCh37 (hg19) VCF-style: chr22-51159906-C-T.
Other names: c.3645C>T, p.Thr1215= (NM_033517.1).
Identifiers: ClinVar variation 2672917 (VCV002672917.23), dbSNP rs779655549, ClinGen allele CA10326093.
Genomic context (GRCh38, chr22:50,721,478, plus strand): 5'-CCTCAGCGTCCTGGACACATCCCTGCAGCGGCCAGCTGGCCTCATCGTTGTGCACGCCAC[C>T]AGCAACGGGCAGGAGCCCAGCAGGCTGGGGGGGGCCGAAGAGGAGCGCCCGGGCACCCCG-3'
Protein context (NP_001358973.1, residues 1280-1300): RPAGLIVVHA[Thr1290=]SNGQEPSRLG